The following is an entry in ClinVar:

ClinVar aggregate classification (germline): Uncertain significance. Review status: criteria provided, multiple submitters, no conflicts (2 of 4 stars). 2 submissions from 2 submitters: Uncertain significance (2). Last evaluated 2025-12-31.

Conditions:
Hyperaldosteronism, familial, type IV (HALD4). Also called: FH IV; ALDOSTERONISM, PRIMARY, AND HYPERTENSION. Identifiers: Orphanet 642671, MedGen C4310756, MONDO:0014875, OMIM 617027.
Idiopathic generalized epilepsy. Also called: EIG; Generalised epilepsy. Identifiers: MedGen C0270850, MONDO:0005579, OMIM 600669.
Epilepsy, childhood absence, susceptibility to, 6. Identifiers: Orphanet 64280, MedGen C2749872, MONDO:0012763, OMIM 611942.

Allele frequency attached by ClinVar (database versions not stated): gnomAD exomes below 0.00001; TOPMed below 0.00001.
gnomAD v4.1: 5 of 1,420,320 alleles (0.00035%); highest among the groups gnomAD compares: Non-Finnish European, 0.00046%; no homozygotes.

Submissions (2):

Labcorp Genetics (formerly Invitae), Labcorp
Classification: Uncertain significance for Idiopathic generalized epilepsy; Hyperaldosteronism, familial, type IV. Last evaluated: 2025-12-31. Review status: criteria provided, single submitter. Criteria: Invitae Variant Classification Sherloc (09022015). Collection method: clinical testing. Allele origin: germline.
Comment: This sequence change replaces serine, which is neutral and polar, with proline, which is neutral and non-polar, at codon 49 of the CACNA1H protein (p.Ser49Pro). This variant is not present in population databases (gnomAD no frequency). This variant has not been reported in the literature in individuals affected with CACNA1H-related conditions. ClinVar contains an entry for this variant (Variation ID: 1033976). Invitae Evidence Modeling of protein sequence and biophysical properties (such as structural, functional, and spatial information, amino acid conservation, physicochemical variation, residue mobility, and thermodynamic stability) indicates that this missense variant is not expected to disrupt CACNA1H protein function with a negative predictive value of 95%. In summary, the available evidence is currently insufficient to determine the role of this variant in disease. Therefore, it has been classified as a Variant of Uncertain Significance.

Baylor Genetics
Classification: Uncertain significance for Epilepsy, childhood absence, susceptibility to, 6. Last evaluated: 2018-11-27. Review status: criteria provided, single submitter. Criteria: ACMG Guidelines, 2015. Collection method: clinical testing. Allele origin: unknown. Affected: yes.
Comment: This variant was determined to be of uncertain significance according to ACMG Guidelines, 2015 [PMID:25741868].

NM_021098.3(CACNA1H):c.145T>C (p.Ser49Pro)

Gene: CACNA1H (calcium voltage-gated channel subunit alpha1 H; plus strand). Cytogenetic location: 16p13.3.
Variant type: single nucleotide variant.
Coding change: c.145T>C on transcript NM_021098.3 (MANE Select); coding-DNA position 145, T replaced by C.
Protein change: p.Ser49Pro; replaces serine 49 with proline.
Molecular consequence: missense variant.
Genome position (GRCh38, 1-based): chr16:1,153,882, T>C. VCF-style: chr16-1153882-T-C. GRCh37 (hg19) VCF-style: chr16-1203882-T-C.
Other names: c.145T>C, p.Ser49Pro (NM_001005407.2); short protein forms S49P.
Identifiers: ClinVar variation 1033976 (VCV001033976.2), dbSNP rs1397714230, ClinGen allele CA394145660.